The following is an entry in ClinVar:

NM_032323.3(TMEM79):c.543G>A (p.Pro181=)

Genes: SMG5 (SMG5 nonsense mediated mRNA decay factor; minus strand), TMEM79 (transmembrane protein 79; plus strand). Cytogenetic location: 1q22.
Variant type: single nucleotide variant.
Coding change: c.543G>A on transcript NM_032323.3 (MANE Select); coding-DNA position 543, G replaced by A.
Protein change: p.Pro181=; no amino-acid change (proline 181 retained).
Molecular consequence: synonymous variant. On other transcripts: non-coding transcript variant (1), intron variant (1).
Genome position (GRCh38, 1-based): chr1:156,285,769, G>A. VCF-style: chr1-156285769-G-A. GRCh37 (hg19) VCF-style: chr1-156255560-G-A.
Other names: c.-125+864C>T (NM_001323617.2).
Identifiers: ClinVar variation 3904825 (VCV003904825.10).

ClinVar aggregate classification (germline): Likely benign (1 of 4 stars; one submission).

gnomAD v4.1: 5,140 of 1,613,292 alleles (0.32%); highest among the groups gnomAD compares: Non-Finnish European, 0.38%; 8 homozygotes.

Submission:

CeGaT Center for Human Genetics Tuebingen
Classification: Likely benign. Last evaluated: 2025-06-01. Review status: criteria provided, single submitter. Criteria: CeGaT Center For Human Genetics Tuebingen Variant Classification Criteria Version 2. Collection method: clinical testing. Allele origin: germline. Affected: yes. Observed: 1 variant allele.
Comment: TMEM79: BP4, BP7